The following is an entry in ClinVar:

ClinVar aggregate classification (germline): Benign/Likely benign. Review status: criteria provided, multiple submitters, no conflicts (2 of 4 stars). 10 submissions from 10 submitters: Benign (2); Likely benign (7). 1 of the submissions does not count toward it. Last evaluated 2026-06-01.

Conditions:
CACNA1A-related disorder. Also called: CACNA1A-related condition.
Episodic ataxia type 2 (EA2). Also called: ACETAZOLAMIDE-RESPONSIVE HEREDITARY PAROXYSMAL CEREBELLAR ATAXIA; ATAXIA, EPISODIC, WITH NYSTAGMUS; ATAXIA, FAMILIAL PAROXYSMAL; CEREBELLAR ATAXIA, PAROXYSMAL, ACETAZOLAMIDE-RESPONSIVE; CEREBELLOPATHY, HEREDITARY PAROXYSMAL; EPISODIC ATAXIA, NYSTAGMUS-ASSOCIATED. Identifiers: Orphanet 97, MedGen C1720416, MONDO:0007163, OMIM 108500.
Developmental and epileptic encephalopathy, 42 (DEE42A). Also called: Epileptic encephalopathy, early infantile, 42; DEVELOPMENTAL AND EPILEPTIC ENCEPHALOPATHY 42A; EPILEPTIC ENCEPHALOPATHY, EARLY INFANTILE, 42A. Identifiers: MedGen C4310716, MONDO:0014917, OMIM 617106.
Inborn genetic diseases. Identifiers: MedGen C0950123, MeSH D030342.

Allele frequency attached by ClinVar (database versions not stated): 1000 Genomes Project 30x 0.00031; 1000 Genomes Project 0.00040; TOPMed 0.00051; gnomAD 0.00054 and 0.00057; ESP Exome Variant Server 0.00117.
gnomAD v4.1: 1,068 of 1,543,218 alleles (0.069%); highest among the groups gnomAD compares: Non-Finnish European, 0.087%; no homozygotes.

Submissions (10):

CeGaT Center for Human Genetics Tuebingen
Classification: Likely benign. Last evaluated: 2026-06-01. Review status: criteria provided, single submitter. Criteria: CeGaT Center For Human Genetics Tuebingen Variant Classification Criteria Version 2. Collection method: clinical testing. Allele origin: germline. Affected: yes. Observed: 15 variant alleles.
Comment: CACNA1A: BS2

Labcorp Genetics (formerly Invitae), Labcorp
Classification: Likely benign for Developmental and epileptic encephalopathy, 42; Episodic ataxia type 2. Last evaluated: 2026-01-13. Review status: criteria provided, single submitter. Criteria: Invitae Variant Classification Sherloc (09022015). Collection method: clinical testing. Allele origin: germline.

Mayo Clinic Laboratories, Mayo Clinic
Classification: Likely benign. Last evaluated: 2025-09-30. Review status: criteria provided, single submitter. Criteria: ACMG Guidelines, 2015. Collection method: clinical testing. Allele origin: germline. Observed: 1 variant allele.
Comment: BS2, BP4

Laboratory of Genetics, Children's Clinical University Hospital Latvia
Classification: Likely benign. Last evaluated: 2025-02-16. Review status: criteria provided, single submitter. Criteria: ACMG Guidelines, 2015. Collection method: clinical testing. Allele origin: germline. Affected: yes.

Blueprint Genetics
Classification: Likely benign. Last evaluated: 2024-11-22. Review status: criteria provided, single submitter. Criteria: ACMG Guidelines, 2015. Collection method: clinical testing. Allele origin: germline.

Ambry Genetics
Classification: Likely benign for Inborn genetic diseases. Last evaluated: 2024-03-27. Review status: criteria provided, single submitter. Criteria: Ambry Variant Classification Scheme 2023. Collection method: clinical testing. Allele origin: germline.

Athena Diagnostics
Classification: Benign. Last evaluated: 2024-03-20. Review status: criteria provided, single submitter. Criteria: Athena Diagnostics Criteria. Collection method: clinical testing. Allele origin: unknown.

GeneDx
Classification: Benign. Last evaluated: 2020-06-30. Review status: criteria provided, single submitter. Criteria: GeneDx Variant Classification Process June 2021. Collection method: clinical testing. Allele origin: germline. Affected: yes.

Eurofins Ntd Llc (ga)
Classification: Likely benign. Last evaluated: 2017-03-16. Review status: criteria provided, single submitter. Criteria: EGL Classification Definitions 2015. Collection method: clinical testing. Allele origin: germline. Observed: 2 variant alleles, 2 heterozygotes.

PreventionGenetics, part of Exact Sciences
Classification: Likely benign for CACNA1A-related condition. Last evaluated: 2022-07-08. Review status: no assertion criteria provided. Collection method: clinical testing. Allele origin: germline. Not counted in ClinVar's aggregate classification.
Comment: This variant is classified as likely benign based on ACMG/AMP sequence variant interpretation guidelines (Richards et al. 2015 PMID: 25741868, with internal and published modifications).

NM_001127222.2(CACNA1A):c.3409C>G (p.Pro1137Ala)

Gene: CACNA1A (calcium voltage-gated channel subunit alpha1 A; minus strand). Cytogenetic location: 19p13.13.
Variant type: single nucleotide variant.
Coding change: c.3409C>G on transcript NM_001127222.2 (MANE Select); coding-DNA position 3409, C replaced by G.
Protein change: p.Pro1137Ala; replaces proline 1137 with alanine.
Molecular consequence: missense variant.
Genome position (GRCh38, 1-based): chr19:13,286,647, G>C on the plus strand (C>G on the coding strand, the complement: CACNA1A is on the minus strand). VCF-style: chr19-13286647-G-C. GRCh37 (hg19) VCF-style: chr19-13397461-G-C.
Other names: c.3409C>G (NM_001127222.1); c.3421C>G, p.Pro1141Ala (NM_000068.4, NM_023035.3); c.3412C>G, p.Pro1138Ala (NM_001127221.2, NM_001174080.2); short protein forms P1138A, P1141A, P1137A.
Identifiers: ClinVar variation 195471 (VCV000195471.66), dbSNP rs199793367, ClinGen allele CA241911.